The following is an entry in ClinVar:

NM_006218.4(PIK3CA):c.3132T>A (p.Asn1044Lys)

Gene: PIK3CA (phosphatidylinositol-4,5-bisphosphate 3-kinase catalytic subunit alpha; plus strand). Cytogenetic location: 3q26.32.
Variant type: single nucleotide variant.
Coding change: c.3132T>A on transcript NM_006218.4 (MANE Select); coding-DNA position 3132, T replaced by A.
Protein change: p.Asn1044Lys; replaces asparagine 1044 with lysine.
Molecular consequence: missense variant.
Genome position (GRCh38, 1-based): chr3:179,234,289, T>A. VCF-style: chr3-179234289-T-A. GRCh37 (hg19) VCF-style: chr3-178952077-T-A.
Other names: c.3132T>A (LRG_310t1); short protein forms N1044K.
Identifiers: ClinVar variation 663332 (VCV000663332.2), dbSNP rs1576949960, ClinGen allele CA355285826.

ClinVar aggregate classification (germline): Uncertain significance. Review status: criteria provided, single submitter (1 of 4 stars). 2 submissions from 2 submitters: Uncertain significance (1). 1 of the submissions does not count toward it. Last evaluated 2018-12-18.

Conditions:
Angioosteohypertrophic syndrome (KTS). Also called: KTW SYNDROME; Klippel-Trenaunay Syndrome. Identifiers: Orphanet 90308, MedGen C0022739, MeSH D007715, MONDO:0007864, OMIM 149000.
Cowden syndrome (CS). Also called: Cowden's disease; Cowden's syndrome; Cowden disease. Identifiers: Orphanet 201, MedGen C0018553, MONDO:0016063. Disease mechanism: gain of function.

Submissions (2):

Labcorp Genetics (formerly Invitae), Labcorp
Classification: Uncertain significance for Cowden syndrome. Last evaluated: 2018-12-18. Review status: criteria provided, single submitter. Criteria: Invitae Variant Classification Sherloc (09022015). Collection method: clinical testing. Allele origin: germline.
Comment: This sequence change replaces asparagine with lysine at codon 1044 of the PIK3CA protein (p.Asn1044Lys). The asparagine residue is highly conserved and there is a moderate physicochemical difference between asparagine and lysine. This variant is not present in population databases (ExAC no frequency). This variant has been observed in an individual withÂ¬â€ clinical features of Cloves syndrome (PMID:Â¬â€ 28151489). Algorithms developed to predict the effect of missense changes on protein structure and function are either unavailable or do not agree on the potential impact of this missense change (SIFT: "Deleterious"; PolyPhen-2: "Benign"; Align-GVGD: "Class C65"). In summary, the available evidence is currently insufficient to determine the role of this variant in disease. Therefore, it has been classified as a Variant of Uncertain Significance.

Institute of Tissue Medicine and Pathology, University of Bern
Classification: Likely pathogenic for Angioosteohypertrophic syndrome. Last evaluated: 2024-03-19. Review status: no assertion criteria provided. Collection method: clinical testing. Allele origin: somatic. Affected: yes. Observed: 1 variant allele. Not counted in ClinVar's aggregate classification.